The following is an entry in ClinVar:

ClinVar aggregate classification (germline): Likely benign. Review status: criteria provided, multiple submitters, no conflicts (2 of 4 stars). 5 submissions from 5 submitters: Likely benign (5). Last evaluated 2024-12-28.

Conditions:
Familial thoracic aortic aneurysm and aortic dissection (TAAD). Also called: Thoracic aortic aneurysms and dissections. Identifiers: Orphanet 91387, MedGen C4707243, MONDO:0019625.
Aortic aneurysm, familial thoracic 4 (AAT4). Also called: AORTIC ANEURYSM/AORTIC DISSECTION AND PATENT DUCTUS ARTERIOSUS. Identifiers: MedGen C1851504, MONDO:0007568, OMIM 132900.

gnomAD v4.1: 8 of 1,610,926 alleles (0.0005%); highest among the groups gnomAD compares: Non-Finnish European, 0.00068%; no homozygotes.

Submissions (5):

Ambry Genetics
Classification: Likely benign for Familial thoracic aortic aneurysm and aortic dissection. Last evaluated: 2024-12-28. Review status: criteria provided, single submitter. Criteria: Ambry Variant Classification Scheme 2023. Collection method: clinical testing. Allele origin: germline.

All of Us Research Program, National Institutes of Health
Classification: Likely benign for Familial thoracic aortic aneurysm and aortic dissection. Last evaluated: 2024-09-11. Review status: criteria provided, single submitter. Criteria: ACMG Guidelines, 2015. Collection method: clinical testing. Allele origin: germline. Inheritance: Autosomal dominant inheritance. Observed: 6 variant alleles, 6 heterozygotes.
Comment: This study involves interpretation of variants in research participants for the purpose of population health screening. Participant phenotype was not available at the time of variant classification. Additional details can be found in publication PMID: 35346344, PMCID: PMC8962531

Labcorp Genetics (formerly Invitae), Labcorp
Classification: Likely benign for Aortic aneurysm, familial thoracic 4. Last evaluated: 2023-01-17. Review status: criteria provided, single submitter. Criteria: Invitae Variant Classification Sherloc (09022015). Collection method: clinical testing. Allele origin: germline.

Color Diagnostics, LLC DBA Color Health
Classification: Likely benign for Familial thoracic aortic aneurysm and aortic dissection. Last evaluated: 2022-11-06. Review status: criteria provided, single submitter. Criteria: ACMG Guidelines, 2015. Collection method: clinical testing. Allele origin: germline.

Women's Health and Genetics/Laboratory Corporation of America, LabCorp
Classification: Likely benign. Last evaluated: 2021-05-29. Review status: criteria provided, single submitter. Criteria: LabCorp Variant Classification Summary - May 2015. Collection method: clinical testing. Allele origin: germline.

NM_002474.3(MYH11):c.1074T>C (p.Asn358=)

Gene: MYH11 (myosin heavy chain 11; minus strand). Cytogenetic location: 16p13.11.
Variant type: single nucleotide variant.
Coding change: c.1074T>C on transcript NM_002474.3 (MANE Select); coding-DNA position 1074, T replaced by C.
Protein change: p.Asn358=; no amino-acid change (asparagine 358 retained).
Molecular consequence: synonymous variant.
Genome position (GRCh38, 1-based): chr16:15,763,851, A>G on the plus strand (T>C on the coding strand, the complement: MYH11 is on the minus strand). VCF-style: chr16-15763851-A-G. GRCh37 (hg19) VCF-style: chr16-15857708-A-G.
Other names: c.1095T>C, p.Asn365= (NM_001040113.2, NM_001040114.2); c.1074T>C, p.Asn358= (NM_022844.3); c.1074T>C (NM_002474.2).
Identifiers: ClinVar variation 1172897 (VCV001172897.12), dbSNP rs2151282590, ClinGen allele CA493768300.